The following is an entry in ClinVar:

ClinVar aggregate classification (germline): Pathogenic. Review status: criteria provided, multiple submitters, no conflicts (2 of 4 stars). 3 submissions from 3 submitters: Pathogenic (3). Last evaluated 2023-10-06.

Conditions:
Familial thoracic aortic aneurysm and aortic dissection (TAAD). Also called: Thoracic aortic aneurysms and dissections. Identifiers: Orphanet 91387, MedGen C4707243, MONDO:0019625.
Marfan syndrome (MFS). Also called: FBN1-Related Marfan Syndrome; Marfan syndrome type 1; Marfan's syndrome; Marfan syndrome, classic; MARFAN SYNDROME, TYPE I. Identifiers: Orphanet 284963, Orphanet 558, MedGen C0024796, MONDO:0007947, OMIM 154700.

Submissions (3):

GeneDx
Classification: Pathogenic. Last evaluated: 2023-10-06. Review status: criteria provided, single submitter. Criteria: GeneDx Variant Classification Process June 2021. Collection method: clinical testing. Allele origin: germline. Affected: yes.
Comment: Not observed at significant frequency in large population cohorts (gnomAD); Frameshift variant predicted to result in nonsense mediated decay in a gene for which loss-of-function is a known mechanism of disease; This variant is associated with the following publications: (PMID: 18435798, 23684891, 11933199, 12938084)

Labcorp Genetics (formerly Invitae), Labcorp
Classification: Pathogenic for Marfan syndrome; Familial thoracic aortic aneurysm and aortic dissection. Last evaluated: 2023-04-10. Review status: criteria provided, single submitter. Criteria: Invitae Variant Classification Sherloc (09022015). Collection method: clinical testing. Allele origin: germline.
Comment: For these reasons, this variant has been classified as Pathogenic. ClinVar contains an entry for this variant (Variation ID: 618651). This premature translational stop signal has been observed in individual(s) with Marfan syndrome (PMID: 18435798). This variant is not present in population databases (gnomAD no frequency). This sequence change creates a premature translational stop signal (p.Thr212Serfs*10) in the FBN1 gene. It is expected to result in an absent or disrupted protein product. Loss-of-function variants in FBN1 are known to be pathogenic (PMID: 17657824, 19293843).

ARUP Laboratories, Molecular Genetics and Genomics, ARUP Laboratories
Classification: Pathogenic. Last evaluated: 2017-11-14. Review status: criteria provided, single submitter. Criteria: ARUP Molecular Germline Variant Investigation Process. Collection method: clinical testing. Allele origin: germline.

Literature cited by the submitters: PubMed 18435798 (cited by Labcorp Genetics (formerly Invitae), Labcorp); PubMed 17657824 (cited by Labcorp Genetics (formerly Invitae), Labcorp); PubMed 19293843 (cited by Labcorp Genetics (formerly Invitae), Labcorp).

NM_000138.5(FBN1):c.635_636del (p.Thr212fs)

Gene: FBN1 (fibrillin 1; minus strand). Cytogenetic location: 15q21.1.
Variant type: Microsatellite.
Coding change: c.635_636del on transcript NM_000138.5 (MANE Select); coding-DNA positions 635 to 636, 2 bases deleted (CA; older notation c.635_636delCA).
Protein change: p.Thr212fs; shifts the reading frame from threonine 212.
Molecular consequence: frameshift variant.
Genome position (GRCh38, 1-based): chr15:48,537,711-48,537,712, TG deleted on the plus strand (CA on the coding strand, the reverse complement: FBN1 is on the minus strand); deleting any 2 consecutive bases within chr15:48,537,711-48,537,714 gives the same sequence; the c. name uses the placement nearest the transcript's 3' end. VCF-style (leftmost placement, unchanged base first): chr15-48537710-CTG-C. GRCh37 (hg19) VCF-style: chr15-48829907-CTG-C.
Other names: short protein forms T212fs.
Identifiers: ClinVar variation 618651 (VCV000618651.13), dbSNP rs1566922422, ClinGen allele CA913191040.